The following is an entry in ClinVar:

NM_003482.4(KMT2D):c.15668A>G (p.Asn5223Ser)

Gene: KMT2D (lysine methyltransferase 2D; minus strand). Cytogenetic location: 12q13.12.
Variant type: single nucleotide variant.
Coding change: c.15668A>G on transcript NM_003482.4 (MANE Select); coding-DNA position 15668, A replaced by G.
Protein change: p.Asn5223Ser; replaces asparagine 5223 with serine.
Molecular consequence: missense variant.
Genome position (GRCh38, 1-based): chr12:49,026,298, T>C on the plus strand (A>G on the coding strand, the complement: KMT2D is on the minus strand). VCF-style: chr12-49026298-T-C. GRCh37 (hg19) VCF-style: chr12-49420081-T-C.
Other names: short protein forms N5223S.
Identifiers: ClinVar variation 1197391 (VCV001197391.35), dbSNP rs779303083, ClinGen allele CA6545518.

ClinVar aggregate classification (germline): Conflicting classifications of pathogenicity. Review status: criteria provided, conflicting classifications (1 of 4 stars). 4 submissions from 4 submitters: Uncertain significance (1); Benign (1); Likely benign (2). Last evaluated 2025-07-30.

Conditions:
Kabuki syndrome. Also called: NIIKAWA-KUROKI SYNDROME; Kabuki make-up syndrome. Identifiers: Orphanet 2322, MedGen C0796004, MONDO:0016512.

Allele frequency attached by ClinVar (database versions not stated): gnomAD exomes 0.00002.
gnomAD v4.1: 35 of 1,611,476 alleles (0.0022%); highest among the groups gnomAD compares: Admixed American, 0.013%; 1 homozygote.

Submissions (4):

Labcorp Genetics (formerly Invitae), Labcorp
Classification: Benign for Kabuki syndrome. Last evaluated: 2025-07-30. Review status: criteria provided, single submitter. Criteria: Invitae Variant Classification Sherloc (09022015). Collection method: clinical testing. Allele origin: germline.

CeGaT Center for Human Genetics Tuebingen
Classification: Likely benign. Last evaluated: 2023-01-01. Review status: criteria provided, single submitter. Criteria: CeGaT Center For Human Genetics Tuebingen Variant Classification Criteria Version 2. Collection method: clinical testing. Allele origin: germline. Affected: yes. Observed: 2 variant alleles.
Comment: KMT2D: PP2, BS1

GeneDx
Classification: Likely benign. Last evaluated: 2021-02-18. Review status: criteria provided, single submitter. Criteria: GeneDx Variant Classification Process June 2021. Collection method: clinical testing. Allele origin: germline. Affected: yes.
Comment: This variant is associated with the following publications: (PMID: 26032282)

Genetic Services Laboratory, University of Chicago
Classification: Uncertain significance. Last evaluated: 2020-03-24. Review status: criteria provided, single submitter. Criteria: ACMG Guidelines, 2015. Collection method: clinical testing. Allele origin: germline. Affected: no.
Comment: DNA sequence analysis of the KMT2D gene demonstrated a sequence change, c.15668A>G, in exon 48 that results in an amino acid change, p.Asn5223Ser. This sequence change does not appear to have been previously described in patients with KMT2D-related disorders and has been described in the gnomAD database with an overall low population frequency of 0.0036% (dbSNP rs779303083). The p.Asn5223Ser change affects a moderately conserved amino acid residue located in a domain of the KMT2D protein that is known to be functional. In-silico pathogenicity prediction tools (SIFT, PolyPhen2, Align GVGD, REVEL) provide contradictory results for the p.Asn5223Ser substitution. Due to these contrasting evidences and the lack of functional studies, the clinical significance of the p.Asn5223Ser change remains unknown at this time.